The following is an entry in ClinVar:

ClinVar aggregate classification (germline): Uncertain significance. Review status: criteria provided, multiple submitters, no conflicts (2 of 4 stars). 2 submissions from 2 submitters: Uncertain significance (2). Last evaluated 2024-05-10.

Allele frequency attached by ClinVar (database versions not stated): TOPMed below 0.00001; gnomAD 0.00001.
gnomAD v4.1: 35 of 1,552,988 alleles (0.0023%); highest among the groups gnomAD compares: Non-Finnish European, 0.0028%; no homozygotes.

Submissions (2):

Blueprint Genetics
Classification: Uncertain significance. Last evaluated: 2024-05-10. Review status: criteria provided, single submitter. Criteria: ACMG Guidelines, 2015. Collection method: clinical testing. Allele origin: germline.

Labcorp Genetics (formerly Invitae), Labcorp
Classification: Uncertain significance. Last evaluated: 2023-06-28. Review status: criteria provided, single submitter. Criteria: Invitae Variant Classification Sherloc (09022015). Collection method: clinical testing. Allele origin: germline.
Comment: In summary, the available evidence is currently insufficient to determine the role of this variant in disease. Therefore, it has been classified as a Variant of Uncertain Significance. An algorithm developed to predict the effect of missense changes on protein structure and function (PolyPhen-2) suggests that this variant is likely to be tolerated. ClinVar contains an entry for this variant (Variation ID: 1908212). This variant has not been reported in the literature in individuals affected with COL2A1-related conditions. This variant is present in population databases (rs777145676, gnomAD 0.003%). This sequence change replaces lysine, which is basic and polar, with glutamic acid, which is acidic and polar, at codon 527 of the COL2A1 protein (p.Lys527Glu).

NM_001844.5(COL2A1):c.1579A>G (p.Lys527Glu)

Gene: COL2A1 (collagen type II alpha 1 chain; minus strand). Cytogenetic location: 12q13.11.
Variant type: single nucleotide variant.
Coding change: c.1579A>G on transcript NM_001844.5 (MANE Select); coding-DNA position 1579, A replaced by G.
Protein change: p.Lys527Glu; replaces lysine 527 with glutamic acid.
Molecular consequence: missense variant.
Genome position (GRCh38, 1-based): chr12:47,985,914, T>C on the plus strand (A>G on the coding strand, the complement: COL2A1 is on the minus strand). VCF-style: chr12-47985914-T-C. GRCh37 (hg19) VCF-style: chr12-48379697-T-C.
Other names: c.1372A>G, p.Lys458Glu (NM_033150.3); short protein forms K527E, K458E.
Identifiers: ClinVar variation 1908212 (VCV001908212.6), dbSNP rs777145676, ClinGen allele CA236527518.